The following is an entry in ClinVar:

NM_000540.3(RYR1):c.11439+1G>C

Gene: RYR1 (ryanodine receptor 1; plus strand). Cytogenetic location: 19q13.2.
Variant type: single nucleotide variant.
Coding change: c.11439+1G>C on transcript NM_000540.3 (MANE Select); the canonical splice donor site of the intron after coding-DNA position 11439, G replaced by C.
Molecular consequence: splice donor variant.
Genome position (GRCh38, 1-based): chr19:38,535,221, G>C. VCF-style: chr19-38535221-G-C. GRCh37 (hg19) VCF-style: chr19-39025861-G-C.
Other names: c.11424+1G>C (NM_001042723.2).
Identifiers: ClinVar variation 2969347 (VCV002969347.3), dbSNP rs2514530715, ClinGen allele CA405655575.

ClinVar aggregate classification (germline): Likely pathogenic (1 of 4 stars; one submission).

Conditions:
RYR1-related disorder. Also called: RYR1-related condition; RYR1-related disorders. Identifiers: MedGen CN239331.

Submission:

Labcorp Genetics (formerly Invitae), Labcorp
Classification: Likely pathogenic for RYR1-related disorder. Last evaluated: 2023-06-02. Review status: criteria provided, single submitter. Criteria: Invitae Variant Classification Sherloc (09022015). Collection method: clinical testing. Allele origin: germline.
Comment: This variant has not been reported in the literature in individuals affected with RYR1-related conditions. This sequence change affects a donor splice site in intron 80 of the RYR1 gene. It is expected to disrupt RNA splicing. Variants that disrupt the donor or acceptor splice site typically lead to a loss of protein function (PMID: 16199547), and loss-of-function variants in RYR1 are known to be pathogenic (PMID: 23919265, 25960145, 28818389, 30611313). This variant is not present in population databases (gnomAD no frequency). Algorithms developed to predict the effect of sequence changes on RNA splicing suggest that this variant may disrupt the consensus splice site. In summary, the currently available evidence indicates that the variant is pathogenic, but additional data are needed to prove that conclusively. Therefore, this variant has been classified as Likely Pathogenic.

Literature cited by the submitters: PubMed 16199547; PubMed 23919265; PubMed 25960145; PubMed 28818389; PubMed 30611313.